The following is an entry in ClinVar:

ClinVar aggregate classification (germline): Benign (1 of 4 stars; one submission).

Conditions:
Polydactyly of a triphalangeal thumb. Also called: POLYDACTYLY OF TRIPHALANGEAL THUMB; TRIPHALANGEAL THUMB-POLYDACTYLY SYNDROME; Polydactyly, preaxial type II. Identifiers: Orphanet 2439, Orphanet 2950, Orphanet 93336, MedGen C1868114, MONDO:0008270, OMIM 174500.

Allele frequency attached by ClinVar (database versions not stated): gnomAD 0.00007 and 0.00011; TOPMed 0.00012; 1000 Genomes Project 30x 0.00062; 1000 Genomes Project 0.00080.

Submission:

Illumina Laboratory Services, Illumina
Classification: Benign for Polydactyly of a triphalangeal thumb. Last evaluated: 2018-01-13. Review status: criteria provided, single submitter. Criteria: ICSL Variant Classification Criteria 13 December 2019. Collection method: clinical testing. Allele origin: germline.
Comment: This variant was observed in the ICSL laboratory as part of a predisposition screen in an ostensibly healthy population. It had not been previously curated by ICSL or reported in the Human Gene Mutation Database (HGMD: prior to June 1st, 2018), and was therefore a candidate for classification through an automated scoring system. Utilizing variant allele frequency, disease prevalence and penetrance estimates, and inheritance mode, an automated score was calculated to assess if this variant is too frequent to cause the disease. Based on the score and internal cut-off values, a variant classified as benign is not then subjected to further curation. The score for this variant resulted in a classification of benign for this disease.

NM_022458.4(LMBR1):c.*2297C>T

Gene: LMBR1 (limb development membrane protein 1; minus strand). Cytogenetic location: 7q36.3.
Variant type: single nucleotide variant.
Coding change: c.*2297C>T on transcript NM_022458.4 (MANE Select); 2297 bases downstream of the stop codon, C replaced by T.
Molecular consequence: 3 prime UTR variant. On other transcripts: non-coding transcript variant (1).
Genome position (GRCh38, 1-based): chr7:156,681,781, G>A on the plus strand (C>T on the coding strand, the complement: LMBR1 is on the minus strand). VCF-style: chr7-156681781-G-A. GRCh37 (hg19) VCF-style: chr7-156474475-G-A.
Other names: c.*2297C>T (NM_001350953.2, NM_001350954.2, NM_001350955.2 and 8 more transcripts).
Identifiers: ClinVar variation 359384 (VCV000359384.5), dbSNP rs367713862, ClinGen allele CA10628608.